The following is an entry in ClinVar:

ClinVar aggregate classification (germline): Uncertain significance (1 of 4 stars; one submission).

Allele frequency attached by ClinVar (database versions not stated): TOPMed below 0.00001; gnomAD 0.00001.
gnomAD v4.1: 1 of 1,210,103 alleles (0.000083%); highest among the groups gnomAD compares: African/African-American, 0.0017%; no homozygotes.

Submission:

Labcorp Genetics (formerly Invitae), Labcorp
Classification: Uncertain significance. Last evaluated: 2025-09-23. Review status: criteria provided, single submitter. Criteria: Invitae Variant Classification Sherloc (09022015). Collection method: clinical testing. Allele origin: germline.
Comment: This sequence change replaces leucine, which is neutral and non-polar, with phenylalanine, which is neutral and non-polar, at codon 1201 of the NEXMIF protein (p.Leu1201Phe). This variant is not present in population databases (gnomAD no frequency). This variant has not been reported in the literature in individuals affected with NEXMIF-related conditions. ClinVar contains an entry for this variant (Variation ID: 1394512). An algorithm developed to predict the effect of missense changes on protein structure and function (PolyPhen-2) suggests that this variant is likely to be tolerated. In summary, the available evidence is currently insufficient to determine the role of this variant in disease. Therefore, it has been classified as a Variant of Uncertain Significance.

NM_001008537.3(NEXMIF):c.3601C>T (p.Leu1201Phe)

Gene: NEXMIF (neurite extension and migration factor; minus strand). Cytogenetic location: Xq13.3.
Variant type: single nucleotide variant.
Coding change: c.3601C>T on transcript NM_001008537.3 (MANE Select); coding-DNA position 3601, C replaced by T.
Protein change: p.Leu1201Phe; replaces leucine 1201 with phenylalanine.
Molecular consequence: missense variant.
Genome position (GRCh38, 1-based): chrX:74,740,956, G>A on the plus strand (C>T on the coding strand, the complement: NEXMIF is on the minus strand). VCF-style: chrX-74740956-G-A. GRCh37 (hg19) VCF-style: chrX-73960791-G-A.
Other names: short protein forms L1201F.
Identifiers: ClinVar variation 1394512 (VCV001394512.8), dbSNP rs2080100813, ClinGen allele CA413665269.